The following is an entry in ClinVar:

NM_003482.4(KMT2D):c.1701_1703dup (p.Pro567_Glu568insAsp)

Gene: KMT2D (lysine methyltransferase 2D; minus strand). Cytogenetic location: 12q13.12.
Variant type: Duplication.
Coding change: c.1701_1703dup on transcript NM_003482.4 (MANE Select); coding-DNA positions 1701 to 1703, 3 bases duplicated (TGA; older notation c.1701_1703dupTGA).
Protein change: p.Pro567_Glu568insAsp.
Molecular consequence: inframe insertion.
Genome position (GRCh38, 1-based): chr12:49,051,980-49,051,982, TCA duplicated on the plus strand (TGA on the coding strand, the reverse complement: KMT2D is on the minus strand). VCF-style (leftmost placement, unchanged base first): chr12-49051979-T-TTCA. GRCh37 (hg19) VCF-style: chr12-49445762-T-TTCA.
Identifiers: ClinVar variation 4822929 (VCV004822929.4).

ClinVar aggregate classification (germline): Uncertain significance (1 of 4 stars; one submission).

Submission:

CeGaT Center for Human Genetics Tuebingen
Classification: Uncertain significance. Last evaluated: 2026-01-01. Review status: criteria provided, single submitter. Criteria: CeGaT Center For Human Genetics Tuebingen Variant Classification Criteria Version 2. Collection method: clinical testing. Allele origin: germline. Affected: yes. Observed: 1 variant allele.
Comment: KMT2D: PM2, PM4:Supporting